The following is an entry in ClinVar:

ClinVar aggregate classification (germline): Benign/Likely benign. Review status: criteria provided, multiple submitters, no conflicts (2 of 4 stars). 3 submissions from 3 submitters: Benign (1); Likely benign (2). Last evaluated 2026-01-17.

Conditions:
Familial cancer of breast. Also called: BREAST CANCER, FAMILIAL; hereditary breast carcinoma; Hereditary breast cancer. Identifiers: Orphanet 227535, MedGen C0346153, MONDO:0016419, OMIM 114480. Disease mechanism: loss of function.
Hereditary cancer-predisposing syndrome. Also called: Tumor predisposition; Neoplastic Syndromes, Hereditary; Hereditary Cancer Syndrome; Hereditary neoplastic syndrome. Identifiers: Orphanet 140162, MedGen C0027672, MeSH D009386, MONDO:0015356.
Ataxia-telangiectasia syndrome (AT). Also called: ATAXIA-TELANGIECTASIA, COMPLEMENTATION GROUP A; ATAXIA-TELANGIECTASIA, FRESNO VARIANT; Ataxia-telangiectasia; Ataxia telangiectasia (A-T); LOUIS-BAR SYNDROME; Ataxia-telangiectasia, complementation group D. Identifiers: Orphanet 100, MedGen C0004135, MONDO:0008840, OMIM 208900.

Allele frequency attached by ClinVar (database versions not stated): gnomAD exomes below 0.00001; TOPMed 0.00001.
gnomAD v4.1: 6 of 1,613,170 alleles (0.00037%); highest among the groups gnomAD compares: Non-Finnish European, 0.00051%; no homozygotes.

Submissions (3):

Labcorp Genetics (formerly Invitae), Labcorp
Classification: Likely benign for Ataxia-telangiectasia syndrome. Last evaluated: 2026-01-17. Review status: criteria provided, single submitter. Criteria: Invitae Variant Classification Sherloc (09022015). Collection method: clinical testing. Allele origin: germline.

Myriad Genetics, Inc.
Classification: Benign for Familial cancer of breast. Last evaluated: 2024-05-02. Review status: criteria provided, single submitter. Criteria: Myriad Autosomal Dominant, Autosomal Recessive and X-Linked Classification Criteria (2023). Collection method: clinical testing. Allele origin: unknown.
Comment: This variant is considered benign. This variant is a silent/synonymous amino acid change and it is not expected to impact splicing.

Ambry Genetics
Classification: Likely benign for Hereditary cancer-predisposing syndrome. Last evaluated: 2023-02-12. Review status: criteria provided, single submitter. Criteria: Ambry Variant Classification Scheme 2023. Collection method: clinical testing. Allele origin: germline.

NM_000051.4(ATM):c.1848T>C (p.Thr616=)

Gene: ATM (ATM serine/threonine kinase; plus strand). Cytogenetic location: 11q22.3.
Variant type: single nucleotide variant.
Coding change: c.1848T>C on transcript NM_000051.4 (MANE Select); coding-DNA position 1848, T replaced by C.
Protein change: p.Thr616=; no amino-acid change (threonine 616 retained).
Molecular consequence: synonymous variant.
Genome position (GRCh38, 1-based): chr11:108,252,862, T>C. VCF-style: chr11-108252862-T-C. GRCh37 (hg19) VCF-style: chr11-108123589-T-C.
Other names: c.1848T>C (NM_000051.3); c.1848T>C, p.Thr616= (NM_001351834.2).
Identifiers: ClinVar variation 1093471 (VCV001093471.11), dbSNP rs1045549048, ClinGen allele CA228392499.